The following is an entry in ClinVar:

ClinVar aggregate classification (germline): Uncertain significance (1 of 4 stars; one submission).

Submission:

GeneDx
Classification: Uncertain significance. Last evaluated: 2019-04-29. Review status: criteria provided, single submitter. Criteria: GeneDx Variant Classification Process June 2021. Collection method: clinical testing. Allele origin: germline. Affected: yes.
Comment: Not observed in large population cohorts (Lek et al., 2016); In silico analysis, which includes protein predictors and evolutionary conservation, supports a deleterious effect; Has not been previously published as pathogenic or benign to our knowledge

NM_005120.3(MED12):c.1088G>T (p.Ser363Ile)

Gene: MED12 (mediator complex subunit 12; plus strand). Cytogenetic location: Xq13.1.
Variant type: single nucleotide variant.
Coding change: c.1088G>T on transcript NM_005120.3 (MANE Select); coding-DNA position 1088, G replaced by T.
Protein change: p.Ser363Ile; replaces serine 363 with isoleucine.
Molecular consequence: missense variant.
Genome position (GRCh38, 1-based): chrX:71,121,803, G>T. VCF-style: chrX-71121803-G-T. GRCh37 (hg19) VCF-style: chrX-70341653-G-T.
Other names: short protein forms S363I.
Identifiers: ClinVar variation 1305413 (VCV001305413.2), dbSNP rs2147780535, ClinGen allele CA413505309.
Genomic context (GRCh38, chrX:71,121,803, plus strand): 5'-CGACTCCCTTTAGTGACCTGCTTATGTGCCCTCAGCACCGGCCCCTGGTTTTTGGCCTCA[G>T]CTGTATCCTACAGGTAGGTACTAGGCGGGCCCAAGGAAGCATTGAGAGATAGCCTGAGAA-3'
Protein context (NP_005111.2, residues 353-373): PQHRPLVFGL[Ser363Ile]CILQTILLCC